The following is an entry in ClinVar:

NM_012073.5(CCT5):c.1564C>G (p.Gln522Glu)

Gene: CCT5 (chaperonin containing TCP1 subunit 5; plus strand). Cytogenetic location: 5p15.2.
Variant type: single nucleotide variant.
Coding change: c.1564C>G on transcript NM_012073.5 (MANE Select); coding-DNA position 1564, C replaced by G.
Protein change: p.Gln522Glu; replaces glutamine 522 with glutamic acid.
Molecular consequence: missense variant.
Genome position (GRCh38, 1-based): chr5:10,264,721, C>G. VCF-style: chr5-10264721-C-G. GRCh37 (hg19) VCF-style: chr5-10264833-C-G.
Other names: c.1501C>G, p.Gln501Glu (NM_001306153.1); c.1399C>G, p.Gln467Glu (NM_001306154.2); c.1285C>G, p.Gln429Glu (NM_001306155.2); c.1450C>G, p.Gln484Glu (NM_001306156.2); c.1564C>G (NM_012073.4); short protein forms Q467E, Q484E, Q501E, Q522E, Q429E.
Identifiers: ClinVar variation 2708300 (VCV002708300.4), dbSNP rs2477481532, ClinGen allele CA359186788.
Genomic context (GRCh38, chr5:10,264,721, plus strand): 5'-AAGCAACAGCATGTCATAGAAACCTTGATTGGCAAAAAGCAACAGATATCTCTTGCAACA[C>G]AAATGGTTAGAATGATTTTGAAGATTGATGACATTCGTAAGCCTGGAGAATCTGAAGAAT-3'
Protein context (NP_036205.1, residues 512-532): GKKQQISLAT[Gln522Glu]MVRMILKIDD

ClinVar aggregate classification (germline): Uncertain significance. Review status: criteria provided, single submitter (1 of 4 stars). 2 submissions from 2 submitters: Uncertain significance (1). 1 of the submissions does not count toward it. Last evaluated 2023-08-07.

Conditions:
CCT5-related disorder. Also called: CCT5-related condition.
Hereditary sensory and autonomic neuropathy with spastic paraplegia (HSNSP). Identifiers: Orphanet 139578, MedGen C1850395, MONDO:0009748, OMIM 256840.

Allele frequency attached by ClinVar (database versions not stated): gnomAD exomes below 0.00001.
gnomAD v4.1: 1 of 1,613,674 alleles (0.000062%); highest among the groups gnomAD compares: Non-Finnish European, 0.000085%; no homozygotes.

Submissions (2):

Labcorp Genetics (formerly Invitae), Labcorp
Classification: Uncertain significance for Hereditary sensory and autonomic neuropathy with spastic paraplegia. Last evaluated: 2023-08-07. Review status: criteria provided, single submitter. Criteria: Invitae Variant Classification Sherloc (09022015). Collection method: clinical testing. Allele origin: germline.
Comment: Advanced modeling of protein sequence and biophysical properties (such as structural, functional, and spatial information, amino acid conservation, physicochemical variation, residue mobility, and thermodynamic stability) performed at Invitae indicates that this missense variant is not expected to disrupt CCT5 protein function. This sequence change replaces glutamine, which is neutral and polar, with glutamic acid, which is acidic and polar, at codon 522 of the CCT5 protein (p.Gln522Glu). This variant is not present in population databases (gnomAD no frequency). This variant has not been reported in the literature in individuals affected with CCT5-related conditions. In summary, the available evidence is currently insufficient to determine the role of this variant in disease. Therefore, it has been classified as a Variant of Uncertain Significance.

PreventionGenetics, part of Exact Sciences
Classification: Uncertain significance for CCT5-related condition. Last evaluated: 2024-06-09. Review status: no assertion criteria provided. Collection method: clinical testing. Allele origin: germline. Not counted in ClinVar's aggregate classification.
Comment: The CCT5 c.1564C>G variant is predicted to result in the amino acid substitution p.Gln522Glu. To our knowledge, this variant has not been reported in the literature or in a large population database, indicating this variant is rare. At this time, the clinical significance of this variant is uncertain due to the absence of conclusive functional and genetic evidence.